The following is an entry in ClinVar:

ClinVar aggregate classification (germline): Uncertain significance (1 of 4 stars; one submission).

gnomAD v4.1: 1 of 1,605,558 alleles (0.000062%); highest among the groups gnomAD compares: African/African-American, 0.0013%; no homozygotes.

Submission:

GeneDx
Classification: Uncertain significance. Last evaluated: 2023-07-31. Review status: criteria provided, single submitter. Criteria: GeneDx Variant Classification Process June 2021. Collection method: clinical testing. Allele origin: germline. Affected: yes.
Comment: Not observed at significant frequency in large population cohorts (gnomAD); In silico analysis supports that this missense variant does not alter protein structure/function; Has not been previously published as pathogenic or benign to our knowledge; Reported using an alternate transcript of the gene

NM_016592.5(GNAS):c.536C>G (p.Pro179Arg)

Genes: GNAS (GNAS complex locus; plus strand), GNAS-AS1 (GNAS antisense RNA 1; minus strand). Cytogenetic location: 20q13.32.
Variant type: single nucleotide variant.
Coding change: c.536C>G on transcript NM_016592.5 (MANE Plus Clinical); coding-DNA position 536, C replaced by G.
Protein change: p.Pro179Arg; replaces proline 179 with arginine.
Molecular consequence: missense variant. On other transcripts: 5 prime UTR variant (1).
Genome position (GRCh38, 1-based): chr20:58,840,642, C>G. VCF-style: chr20-58840642-C-G. GRCh37 (hg19) VCF-style: chr20-57415697-C-G.
Other names: c.-202C>G (NM_001410912.1); short protein forms P179R.
Identifiers: ClinVar variation 3361567 (VCV003361567.1).